The following is an entry in ClinVar:

ClinVar aggregate classification (germline): Likely benign. Review status: criteria provided, multiple submitters, no conflicts (2 of 4 stars). 4 submissions from 4 submitters: Likely benign (4). Last evaluated 2025-10-07.

Conditions:
Hypercholesterolemia, autosomal dominant, type B (FHCL2). Also called: Familial Hypercholesterolemia Type B; APOLIPOPROTEIN B-100, FAMILIAL DEFECTIVE; APOLIPOPROTEIN B-100, FAMILIAL LIGAND-DEFECTIVE; HYPERCHOLESTEROLEMIA, FAMILIAL, DUE TO LIGAND-DEFECTIVE APOLIPOPROTEIN B; APOB-Related Familial Hypercholesterolemia, Autosomal Dominant; Familial hypercholesterolemia 2. Identifiers: MedGen C1704417, MONDO:0007751, OMIM 144010.
Familial hypobetalipoproteinemia 1. Also called: Hypobetalipoproteinemia, normotriglyceridemic; Acanthocytosis with hypobetalipoproteinemia; APOB-Related Familial Hypobetalipoproteinemia. Identifiers: MedGen C4551990, MONDO:0014252, OMIM 615558.
Cardiovascular phenotype. Identifiers: MedGen CN230736.
Familial hypercholesterolemia. Also called: Familial hypercholesterolemias; Familial hypercholesterolaemia. Identifiers: MedGen C0020445, MONDO:0005439.

Allele frequency attached by ClinVar (database versions not stated): gnomAD 0.00001 and 0.00007; gnomAD exomes 0.00001; TOPMed 0.00003.
gnomAD v4.1: 31 of 1,614,016 alleles (0.0019%); highest among the groups gnomAD compares: South Asian, 0.013%; 1 homozygote.

Submissions (4):

Labcorp Genetics (formerly Invitae), Labcorp
Classification: Likely benign for Familial hypobetalipoproteinemia 1; Hypercholesterolemia, autosomal dominant, type B. Last evaluated: 2025-10-07. Review status: criteria provided, single submitter. Criteria: Invitae Variant Classification Sherloc (09022015). Collection method: clinical testing. Allele origin: germline.

Blueprint Genetics
Classification: Likely benign. Last evaluated: 2023-09-11. Review status: criteria provided, single submitter. Criteria: ACMG Guidelines, 2015. Collection method: clinical testing. Allele origin: germline.

GENinCode PLC
Classification: Likely benign for Familial hypercholesterolemia. Last evaluated: 2023-01-25. Review status: criteria provided, single submitter. Criteria: ACMG Guidelines, 2015. Collection method: clinical testing. Allele origin: germline.
Comment: This is a synonymous (silent) variant that is not predicted by SpliceAI to impact splicing. In addition, it occurs at a nucleotide that is not conserved. Therefore this variant has been classified as Likely Benign (BP4, BP7).

Ambry Genetics
Classification: Likely benign for Cardiovascular phenotype. Last evaluated: 2022-07-29. Review status: criteria provided, single submitter. Criteria: Ambry Variant Classification Scheme 2023. Collection method: clinical testing. Allele origin: germline.

NM_000384.3(APOB):c.12219C>T (p.Asn4073=)

Gene: APOB (apolipoprotein B; minus strand). Cytogenetic location: 2p24.1.
Variant type: single nucleotide variant.
Coding change: c.12219C>T on transcript NM_000384.3 (MANE Select); coding-DNA position 12219, C replaced by T.
Protein change: p.Asn4073=; no amino-acid change (asparagine 4073 retained).
Molecular consequence: synonymous variant.
Genome position (GRCh38, 1-based): chr2:21,003,203, G>A on the plus strand (C>T on the coding strand, the complement: APOB is on the minus strand). VCF-style: chr2-21003203-G-A. GRCh37 (hg19) VCF-style: chr2-21226075-G-A.
Identifiers: ClinVar variation 334080 (VCV000334080.24), dbSNP rs886055573, ClinGen allele CA10614131.